The following is an entry in ClinVar:

NM_001195263.2(PDZD7):c.1115C>T (p.Thr372Met)

Gene: PDZD7 (PDZ domain containing 7; minus strand). Cytogenetic location: 10q24.31.
Variant type: single nucleotide variant.
Coding change: c.1115C>T on transcript NM_001195263.2 (MANE Select); coding-DNA position 1115, C replaced by T.
Protein change: p.Thr372Met; replaces threonine 372 with methionine.
Molecular consequence: missense variant.
Genome position (GRCh38, 1-based): chr10:101,019,031, G>A on the plus strand (C>T on the coding strand, the complement: PDZD7 is on the minus strand). VCF-style: chr10-101019031-G-A. GRCh37 (hg19) VCF-style: chr10-102778788-G-A.
Other names: c.1115C>T, p.Thr372Met (NM_001351044.2, NM_024895.5); short protein forms T372M.
Identifiers: ClinVar variation 1022803 (VCV001022803.7), dbSNP rs377765391, ClinGen allele CA5654158.

ClinVar aggregate classification (germline): Uncertain significance. Review status: criteria provided, multiple submitters, no conflicts (2 of 4 stars). 2 submissions from 2 submitters: Uncertain significance (2). Last evaluated 2024-05-20.

Allele frequency attached by ClinVar (database versions not stated): TOPMed 0.00005.
gnomAD v4.1: 61 of 1,573,398 alleles (0.0039%); highest among the groups gnomAD compares: Non-Finnish European, 0.005%; no homozygotes.

Submissions (2):

Blueprint Genetics
Classification: Uncertain significance. Last evaluated: 2024-05-20. Review status: criteria provided, single submitter. Criteria: ACMG Guidelines, 2015. Collection method: clinical testing. Allele origin: germline.

Labcorp Genetics (formerly Invitae), Labcorp
Classification: Uncertain significance. Last evaluated: 2022-03-10. Review status: criteria provided, single submitter. Criteria: Invitae Variant Classification Sherloc (09022015). Collection method: clinical testing. Allele origin: germline.
Comment: In summary, the available evidence is currently insufficient to determine the role of this variant in disease. Therefore, it has been classified as a Variant of Uncertain Significance. Algorithms developed to predict the effect of missense changes on protein structure and function are either unavailable or do not agree on the potential impact of this missense change (SIFT: "Deleterious"; PolyPhen-2: "Not Available"; Align-GVGD: "Class C0"). ClinVar contains an entry for this variant (Variation ID: 1022803). This variant has not been reported in the literature in individuals affected with PDZD7-related conditions. The frequency data for this variant in the population databases is considered unreliable, as metrics indicate poor data quality at this position in the gnomAD database. This sequence change replaces threonine, which is neutral and polar, with methionine, which is neutral and non-polar, at codon 372 of the PDZD7 protein (p.Thr372Met).